The following is an entry in ClinVar:

ClinVar aggregate classification (germline): Conflicting classifications of pathogenicity. Review status: criteria provided, conflicting classifications (1 of 4 stars). 3 submissions from 3 submitters: Likely pathogenic (1); Uncertain significance (2). Last evaluated 2025-12-23.

Conditions:
Familial hypocalciuric hypercalcemia 1. Also called: Hypercalcemia, familial benign type 1. Identifiers: Orphanet 405, Orphanet 93372, MedGen C0342637, MONDO:0007791, OMIM 145980.
Familial hypocalciuric hypercalcemia (FHH). Also called: Familial benign hypercalcemia. Identifiers: Orphanet 405, MedGen C1809471, MONDO:0018458.
Autosomal dominant hypocalcemia 1 (HYPOC1). Also called: HYPOCALCEMIA, FAMILIAL. Identifiers: MedGen C3715128, MONDO:0011013, OMIM 601198.

Submissions (3):

Labcorp Genetics (formerly Invitae), Labcorp
Classification: Likely pathogenic for Familial hypocalciuric hypercalcemia; Autosomal dominant hypocalcemia 1. Last evaluated: 2025-12-23. Review status: criteria provided, single submitter. Criteria: Invitae Variant Classification Sherloc (09022015). Collection method: clinical testing. Allele origin: germline.
Comment: This sequence change replaces serine, which is neutral and polar, with proline, which is neutral and non-polar, at codon 651 of the CASR protein (p.Ser651Pro). This variant is not present in population databases (gnomAD no frequency). This missense change has been observed in individual(s) with clinical features of familial hypocalciuric hypercalcemia (internal data). Invitae Evidence Modeling of clinical and family history, age, sex, and reported ancestry of multiple individuals with this CASR variant has been performed. This variant is expected to be pathogenic with a positive predictive value of at least 99%. This is a validated machine learning model that incorporates the clinical features of 646,172 individuals referred to our laboratory for CASR testing. ClinVar contains an entry for this variant (Variation ID: 940525). An algorithm developed to predict the effect of missense changes on protein structure and function (PolyPhen-2) suggests that this variant is likely to be disruptive. In summary, the currently available evidence indicates that the variant is pathogenic, but additional data are needed to prove that conclusively. Therefore, this variant has been classified as Likely Pathogenic.

Institute of Medical Genetics and Applied Genomics, University Hospital Tübingen
Classification: Uncertain significance for Familial hypocalciuric hypercalcemia 1. Last evaluated: 2025-05-12. Review status: criteria provided, single submitter. Criteria: ACMG Guidelines, 2015. Collection method: clinical testing. Allele origin: germline. Inheritance: Autosomal dominant inheritance. Affected: yes.

Athena Diagnostics
Classification: Uncertain significance. Last evaluated: 2024-11-19. Review status: criteria provided, single submitter. Criteria: Athena Diagnostics Criteria. Collection method: clinical testing. Allele origin: unknown.
Comment: Available data are insufficient to determine the clinical significance of the variant at this time. This variant has not been reported in large, multi-ethnic general populations. Polyphen and MutationTaster predict this amino acid change may be damaging to the protein.

Literature cited by the submitters: PubMed 30857752 (cited by Athena Diagnostics).

NM_000388.4(CASR):c.1951T>C (p.Ser651Pro)

Gene: CASR (calcium sensing receptor; plus strand). Cytogenetic location: 3q21.1.
Variant type: single nucleotide variant.
Coding change: c.1951T>C on transcript NM_000388.4 (MANE Select); coding-DNA position 1951, T replaced by C.
Protein change: p.Ser651Pro; replaces serine 651 with proline.
Molecular consequence: missense variant.
Genome position (GRCh38, 1-based): chr3:122,283,905, T>C. VCF-style: chr3-122283905-T-C. GRCh37 (hg19) VCF-style: chr3-122002752-T-C.
Other names: c.1981T>C, p.Ser661Pro (NM_001178065.2); short protein forms S651P, S661P.
Identifiers: ClinVar variation 940525 (VCV000940525.10), dbSNP rs2074926028, ClinGen allele CA354158116.